The following is an entry in ClinVar:

NM_017617.5(NOTCH1):c.3493G>A (p.Gly1165Ser)

Gene: NOTCH1 (notch receptor 1; minus strand). Cytogenetic location: 9q34.3.
Variant type: single nucleotide variant.
Coding change: c.3493G>A on transcript NM_017617.5 (MANE Select); coding-DNA position 3493, G replaced by A.
Protein change: p.Gly1165Ser; replaces glycine 1165 with serine.
Molecular consequence: missense variant.
Genome position (GRCh38, 1-based): chr9:136,507,972, C>T on the plus strand (G>A on the coding strand, the complement: NOTCH1 is on the minus strand). VCF-style: chr9-136507972-C-T. GRCh37 (hg19) VCF-style: chr9-139402424-C-T.
Other names: short protein forms G1165S.
Identifiers: ClinVar variation 3602176 (VCV003602176.5).

ClinVar aggregate classification (germline): Uncertain significance. Review status: criteria provided, multiple submitters, no conflicts (2 of 4 stars). 2 submissions from 2 submitters: Uncertain significance (2). Last evaluated 2026-01-01.

Submissions (2):

CeGaT Center for Human Genetics Tuebingen
Classification: Uncertain significance. Last evaluated: 2026-01-01. Review status: criteria provided, single submitter. Criteria: CeGaT Center For Human Genetics Tuebingen Variant Classification Criteria Version 2. Collection method: clinical testing. Allele origin: germline. Affected: yes. Observed: 1 variant allele.
Comment: NOTCH1: PM2

GeneDx
Classification: Uncertain significance. Last evaluated: 2024-08-02. Review status: criteria provided, single submitter. Criteria: GeneDx Variant Classification Process June 2021. Collection method: clinical testing. Allele origin: germline. Affected: yes.
Comment: Not observed at significant frequency in large population cohorts (gnomAD); In silico analysis supports that this missense variant has a deleterious effect on protein structure/function; Has not been previously published as pathogenic or benign to our knowledge